The following is an entry in ClinVar:

NM_000430.4(PAFAH1B1):c.567C>T (p.His189=)

Gene: PAFAH1B1 (platelet activating factor acetylhydrolase 1b regulatory subunit 1; plus strand). Cytogenetic location: 17p13.3.
Variant type: single nucleotide variant.
Coding change: c.567C>T on transcript NM_000430.4 (MANE Select); coding-DNA position 567, C replaced by T.
Protein change: p.His189=; no amino-acid change (histidine 189 retained).
Molecular consequence: synonymous variant.
Genome position (GRCh38, 1-based): chr17:2,670,330, C>T. VCF-style: chr17-2670330-C-T. GRCh37 (hg19) VCF-style: chr17-2573624-C-T.
Other names: c.567C>T (NM_000430.3).
Identifiers: ClinVar variation 1579878 (VCV001579878.10), dbSNP rs141528563, ClinGen allele CA8283203.
Genomic context (GRCh38, chr17:2,670,330, plus strand): 5'-TGCAGATATGACCATTAAACTATGGGATTTTCAGGGCTTTGAATGCATCAGAACCATGCA[C>T]GGTAAGGGGTAGAGGATAGTGCTTTAACAGTAATTTCTATCATGGTACTTCAGAAGGAAT-3'
Protein context (NP_000421.1, residues 179-199): FQGFECIRTM[His189=]GHDHNVSSVA

ClinVar aggregate classification (germline): Benign. Review status: criteria provided, single submitter (1 of 4 stars). 2 submissions from 2 submitters: Benign (1). 1 of the submissions does not count toward it. Last evaluated 2024-04-09.

Conditions:
PAFAH1B1-related disorder. Also called: PAFAH1B1-related condition.

Allele frequency attached by ClinVar (database versions not stated): gnomAD exomes 0.00001 and 0.00002; TOPMed 0.00001; ExAC 0.00002; gnomAD 0.00002; ESP Exome Variant Server 0.00008.
gnomAD v4.1: 22 of 1,612,110 alleles (0.0014%); highest among the groups gnomAD compares: Middle Eastern, 0.016%; no homozygotes.

Submissions (2):

Labcorp Genetics (formerly Invitae), Labcorp
Classification: Benign. Last evaluated: 2024-04-09. Review status: criteria provided, single submitter. Criteria: Invitae Variant Classification Sherloc (09022015). Collection method: clinical testing. Allele origin: germline.

PreventionGenetics, part of Exact Sciences
Classification: Likely benign for PAFAH1B1-related condition. Last evaluated: 2024-01-05. Review status: no assertion criteria provided. Collection method: clinical testing. Allele origin: germline. Not counted in ClinVar's aggregate classification.
Comment: This variant is classified as likely benign based on ACMG/AMP sequence variant interpretation guidelines (Richards et al. 2015 PMID: 25741868, with internal and published modifications).